The following is an entry in ClinVar:

ClinVar aggregate classification (germline): Uncertain significance (1 of 4 stars; one submission).

Submission:

GeneDx
Classification: Uncertain significance. Last evaluated: 2024-01-24. Review status: criteria provided, single submitter. Criteria: GeneDx Variant Classification Process June 2021. Collection method: clinical testing. Allele origin: germline. Affected: yes.
Comment: Not observed at significant frequency in large population cohorts (gnomAD); Has not been previously published as pathogenic or benign to our knowledge; In-silico analysis is inconclusive as to whether the variant impacts protein structure/function. In the absence of functional studies, the actual effect of this sequence change is unknown.

NM_016204.4(GDF2):c.1166G>A (p.Gly389Asp)

Gene: GDF2 (growth differentiation factor 2; plus strand). Cytogenetic location: 10q11.22.
Variant type: single nucleotide variant.
Coding change: c.1166G>A on transcript NM_016204.4 (MANE Select); coding-DNA position 1166, G replaced by A.
Protein change: p.Gly389Asp; replaces glycine 389 with aspartic acid.
Molecular consequence: missense variant.
Genome position (GRCh38, 1-based): chr10:47,325,660, G>A. VCF-style: chr10-47325660-G-A. GRCh37 (hg19) VCF-style: chr10-48413702-C-T.
Other names: short protein forms G389D.
Identifiers: ClinVar variation 3368253 (VCV003368253.1).